The following is an entry in ClinVar:

ClinVar aggregate classification (germline): Uncertain significance. Review status: criteria provided, multiple submitters, no conflicts (2 of 4 stars). 4 submissions from 4 submitters: Uncertain significance (3). 1 of the submissions does not count toward it. Last evaluated 2024-10-30.

Conditions:
Usher syndrome type 1 (USH1). Also called: RETINITIS PIGMENTOSA AND CONGENITAL DEAFNESS. Identifiers: Orphanet 231169, Orphanet 886, MedGen C1568247, MONDO:0010168, OMIM 276900.

Allele frequency attached by ClinVar (database versions not stated): gnomAD exomes 0.00001; ExAC 0.00001; gnomAD 0.00001; TOPMed 0.00001.
gnomAD v4.1: 12 of 1,613,572 alleles (0.00074%); highest among the groups gnomAD compares: Admixed American, 0.0017%; no homozygotes.

Submissions (4):

GeneDx
Classification: Uncertain significance. Last evaluated: 2024-10-30. Review status: criteria provided, single submitter. Criteria: GeneDx Variant Classification Process June 2021. Collection method: clinical testing. Allele origin: germline. Affected: yes.
Comment: Not observed at significant frequency in large population cohorts (gnomAD); In silico analysis supports that this missense variant has a deleterious effect on protein structure/function; Has not been previously published as pathogenic or benign to our knowledge

Labcorp Genetics (formerly Invitae), Labcorp
Classification: Uncertain significance. Last evaluated: 2022-07-19. Review status: criteria provided, single submitter. Criteria: Invitae Variant Classification Sherloc (09022015). Collection method: clinical testing. Allele origin: germline.
Comment: This sequence change replaces threonine, which is neutral and polar, with alanine, which is neutral and non-polar, at codon 1727 of the CDH23 protein (p.Thr1727Ala). This variant is present in population databases (rs762005355, gnomAD 0.003%). This variant has not been reported in the literature in individuals affected with CDH23-related conditions. ClinVar contains an entry for this variant (Variation ID: 228496). Algorithms developed to predict the effect of missense changes on protein structure and function are either unavailable or do not agree on the potential impact of this missense change (SIFT: "Deleterious"; PolyPhen-2: "Not Available"; Align-GVGD: "Class C55"). In summary, the available evidence is currently insufficient to determine the role of this variant in disease. Therefore, it has been classified as a Variant of Uncertain Significance.

Laboratory for Molecular Medicine, Mass General Brigham Personalized Medicine
Classification: Uncertain significance. Last evaluated: 2015-11-12. Review status: criteria provided, single submitter. Criteria: LMM Criteria. Collection method: clinical testing. Allele origin: germline. Observed: 1 variant allele.
Comment: The p.Thr1727Ala variant in CDH23 has not been previously reported in individual s with hearing loss or Usher syndrome, but has been identified in 1/11490 Latino chromosomes by the Exome Aggregation Consortium (ExAC; dbSNP rs762005355). Computational prediction tools and conservation anal ysis suggest that this variant may impact the protein, though this information i s not predictive enough to determine pathogenicity. In summary, the clinical sig nificance of the p.Thr1727Ala variant is uncertain.

Natera, Inc.
Classification: Uncertain significance for Usher syndrome type 1. Last evaluated: 2019-10-28. Review status: no assertion criteria provided. Collection method: clinical testing. Allele origin: germline. Not counted in ClinVar's aggregate classification.

NM_022124.6(CDH23):c.5179A>G (p.Thr1727Ala)

Gene: CDH23 (cadherin related 23; plus strand). Cytogenetic location: 10q22.1.
Variant type: single nucleotide variant.
Coding change: c.5179A>G on transcript NM_022124.6 (MANE Select); coding-DNA position 5179, A replaced by G.
Protein change: p.Thr1727Ala; replaces threonine 1727 with alanine.
Molecular consequence: missense variant.
Genome position (GRCh38, 1-based): chr10:71,778,300, A>G. VCF-style: chr10-71778300-A-G. GRCh37 (hg19) VCF-style: chr10-73538057-A-G.
Other names: short protein forms T1727A.
Identifiers: ClinVar variation 228496 (VCV000228496.9), dbSNP rs762005355, ClinGen allele CA5545659.